The following is an entry in ClinVar:

ClinVar aggregate classification (germline): Conflicting classifications of pathogenicity. Review status: criteria provided, conflicting classifications (1 of 4 stars). 4 submissions from 4 submitters: Uncertain significance (3); Likely benign (1). Last evaluated 2026-04-28.

Conditions:
Inborn genetic diseases. Identifiers: MedGen C0950123, MeSH D030342.
Intellectual developmental disorder, autosomal dominant 1. Also called: Intellectual disability, autosomal dominant 1; MBD5 Haploinsufficiency. Identifiers: Orphanet 228402, MedGen C1969562, MONDO:0007974, OMIM 156200.

Allele frequency attached by ClinVar (database versions not stated): TOPMed 0.00001; gnomAD 0.00001; gnomAD exomes 0.00004.
gnomAD v4.1: 66 of 1,613,720 alleles (0.0041%); highest among the groups gnomAD compares: Non-Finnish European, 0.0053%; no homozygotes.

Submissions (4):

Ambry Genetics
Classification: Uncertain significance for Inborn genetic diseases. Last evaluated: 2026-04-28. Review status: criteria provided, single submitter. Criteria: Ambry Variant Classification Scheme 2023. Collection method: clinical testing. Allele origin: germline.
Comment: The c.1537G>A (p.D513N) alteration is located in exon 9 (coding exon 4) of the MBD5 gene. This alteration results from a G to A substitution at nucleotide position 1537, causing the aspartic acid (D) at amino acid position 513 to be replaced by an asparagine (N). Based on data from gnomAD, the A allele has an overall frequency of <0.001% (0/250022) total alleles studied. The highest observed frequency was <0.001% (/) of alleles. Based on insufficient or conflicting evidence, the clinical significance of this alteration remains unclear.

Revvity Omics, Revvity
Classification: Uncertain significance. Last evaluated: 2023-11-06. Review status: criteria provided, single submitter. Criteria: ACMG Guidelines, 2015. Collection method: clinical testing. Allele origin: germline.

Labcorp Genetics (formerly Invitae), Labcorp
Classification: Likely benign for Intellectual developmental disorder, autosomal dominant 1. Last evaluated: 2023-09-25. Review status: criteria provided, single submitter. Criteria: Invitae Variant Classification Sherloc (09022015). Collection method: clinical testing. Allele origin: germline.

Blueprint Genetics
Classification: Uncertain significance. Last evaluated: 2022-09-27. Review status: criteria provided, single submitter. Criteria: ACMG Guidelines, 2015. Collection method: clinical testing. Allele origin: germline.

NM_001378120.1(MBD5):c.1537G>A (p.Asp513Asn)

Gene: MBD5 (methyl-CpG binding domain protein 5; plus strand). Cytogenetic location: 2q23.1.
Variant type: single nucleotide variant.
Coding change: c.1537G>A on transcript NM_001378120.1 (MANE Select); coding-DNA position 1537, G replaced by A.
Protein change: p.Asp513Asn; replaces aspartic acid 513 with asparagine.
Molecular consequence: missense variant.
Genome position (GRCh38, 1-based): chr2:148,469,480, G>A. VCF-style: chr2-148469480-G-A. GRCh37 (hg19) VCF-style: chr2-149227049-G-A.
Other names: c.1537G>A, p.Asp513Asn (NM_018328.5); short protein forms D513N.
Identifiers: ClinVar variation 536680 (VCV000536680.15), dbSNP rs1465733702, ClinGen allele CA348719891.